The following is an entry in ClinVar:

ClinVar aggregate classification (germline): Uncertain significance (1 of 4 stars; one submission).

gnomAD v4.1: 1 of 1,613,830 alleles (0.000062%); highest among the groups gnomAD compares: Non-Finnish European, 0.000085%; no homozygotes.

Submission:

Labcorp Genetics (formerly Invitae), Labcorp
Classification: Uncertain significance. Last evaluated: 2025-06-22. Review status: criteria provided, single submitter. Criteria: Invitae Variant Classification Sherloc (09022015). Collection method: clinical testing. Allele origin: germline.
Comment: This sequence change replaces glycine, which is neutral and non-polar, with cysteine, which is neutral and slightly polar, at codon 54 of the POLG2 protein (p.Gly54Cys). This variant is not present in population databases (gnomAD no frequency). This variant has not been reported in the literature in individuals affected with POLG2-related conditions. An algorithm developed to predict the effect of missense changes on protein structure and function (PolyPhen-2) suggests that this variant is likely to be tolerated. In summary, the available evidence is currently insufficient to determine the role of this variant in disease. Therefore, it has been classified as a Variant of Uncertain Significance.

NM_007215.4(POLG2):c.160G>T (p.Gly54Cys)

Genes: MILR1 (mast cell immunoglobulin like receptor 1; plus strand), POLG2 (DNA polymerase gamma 2, accessory subunit; minus strand). Cytogenetic location: 17q23.3.
Variant type: single nucleotide variant.
Coding change: c.160G>T on transcript NM_007215.4 (MANE Select); coding-DNA position 160, G replaced by T.
Protein change: p.Gly54Cys; replaces glycine 54 with cysteine.
Molecular consequence: missense variant.
Genome position (GRCh38, 1-based): chr17:64,496,809, C>A on the plus strand (G>T on the coding strand, the complement: POLG2 is on the minus strand). VCF-style: chr17-64496809-C-A. GRCh37 (hg19) VCF-style: chr17-62492927-C-A.
Other names: short protein forms G54C.
Identifiers: ClinVar variation 4721936 (VCV004721936.1).
Genomic context (GRCh38, chr17:64,496,809, plus strand): 5'-GACAGATCTCTAACAGCGCCTCGCTTCCCTCTCCAGACCCGGGGGCTTCTGGGTGCTCGC[C>A]GTTCCCCTCGAGCTCCGCGTGCGACTTCACATGCCCTCCTTTGGGGCTACTCCTTTCCGT-3'
Protein context (NP_009146.2, residues 44-64): VKSHAELEGN[Gly54Cys]EHPEAPGSGE